The following is an entry in ClinVar:

ClinVar aggregate classification (germline): Uncertain significance (1 of 4 stars; one submission).

Conditions:
Autosomal recessive severe congenital neutropenia due to JAGN1 deficiency. Also called: Severe congenital neutropenia 6, autosomal recessive. Identifiers: Orphanet 423384, MedGen C4014954, MONDO:0014456, OMIM 616022.

Allele frequency attached by ClinVar (database versions not stated): gnomAD 0.00001; ExAC 0.00002; gnomAD exomes 0.00002 and 0.00004; TOPMed 0.00004.
gnomAD v4.1: 13 of 1,614,050 alleles (0.00081%); highest among the groups gnomAD compares: Admixed American, 0.02%; no homozygotes.

Submission:

Labcorp Genetics (formerly Invitae), Labcorp
Classification: Uncertain significance for Autosomal recessive severe congenital neutropenia due to JAGN1 deficiency. Last evaluated: 2025-02-03. Review status: criteria provided, single submitter. Criteria: Invitae Variant Classification Sherloc (09022015). Collection method: clinical testing. Allele origin: germline.
Comment: This sequence change replaces lysine, which is basic and polar, with arginine, which is basic and polar, at codon 168 of the JAGN1 protein (p.Lys168Arg). This variant is present in population databases (rs749080431, gnomAD 0.03%). This variant has not been reported in the literature in individuals affected with JAGN1-related conditions. ClinVar contains an entry for this variant (Variation ID: 1002786). An algorithm developed to predict the effect of missense changes on protein structure and function (PolyPhen-2) suggests that this variant is likely to be disruptive. In summary, the available evidence is currently insufficient to determine the role of this variant in disease. Therefore, it has been classified as a Variant of Uncertain Significance.

NM_032492.4(JAGN1):c.503A>G (p.Lys168Arg)

Gene: JAGN1 (jagunal homolog 1; plus strand). Cytogenetic location: 3p25.3.
Variant type: single nucleotide variant.
Coding change: c.503A>G on transcript NM_032492.4 (MANE Select); coding-DNA position 503, A replaced by G.
Protein change: p.Lys168Arg; replaces lysine 168 with arginine.
Molecular consequence: missense variant.
Genome position (GRCh38, 1-based): chr3:9,893,328, A>G. VCF-style: chr3-9893328-A-G. GRCh37 (hg19) VCF-style: chr3-9935012-A-G.
Other names: c.341A>G, p.Lys114Arg (NM_001363890.1); short protein forms K114R, K168R.
Identifiers: ClinVar variation 1002786 (VCV001002786.3), dbSNP rs749080431, ClinGen allele CA2245907.